The following is an entry in ClinVar:

NM_000038.6(APC):c.1720_1735dup (p.Val579fs)

Gene: APC (APC regulator of Wnt signaling pathway; plus strand). Cytogenetic location: 5q22.2.
Variant type: Duplication.
Coding change: c.1720_1735dup on transcript NM_000038.6 (MANE Select); coding-DNA positions 1720 to 1735, 16 bases duplicated (GAATGTGCTTTAGAAG).
Protein change: p.Val579fs; shifts the reading frame from valine 579.
Molecular consequence: frameshift variant.
Genome position (GRCh38, 1-based): chr5:112,828,949-112,828,964, GAATGTGCTTTAGAAG duplicated; duplicating any 16 consecutive bases within chr5:112,828,948-112,828,964 gives the same sequence; the c. name uses the placement nearest the transcript's 3' end. VCF-style (leftmost placement, unchanged base first): chr5-112828947-T-TGGAATGTGCTTTAGAA. GRCh37 (hg19) VCF-style: chr5-112164644-T-TGGAATGTGCTTTAGAA.
Other names: c.1774_1789dup, p.Val597fs (NM_001354896.2, NM_001407447.1, NM_001407448.1 and 1 more transcripts); c.1750_1765dup, p.Val589fs (NM_001354897.2); c.1645_1660dup, p.Val554fs (NM_001354898.2); c.1636_1651dup, p.Val551fs (NM_001354899.2); c.1597_1612dup, p.Val538fs (NM_001354900.2); c.1543_1558dup, p.Val520fs (NM_001354901.2, NM_001407453.1); c.1447_1462dup, p.Val488fs (NM_001354902.2); c.1417_1432dup, p.Val478fs (NM_001354903.2, NM_001407458.1, NM_001407459.1 and 1 more transcripts); and 11 more; short protein forms V195fs, V488fs, V569fs, V607fs, V478fs, V496fs, V520fs, V538fs.
Identifiers: ClinVar variation 4120811 (VCV004120811.1).
Genomic context (GRCh38, chr5:112,828,947, plus strand): 5'-GGCGAGCAGATGTAAATAGTAAAAAGACGTTGCGAGAAGTTGGAAGTGTGAAAGCATTGA[T>TGGAATGTGCTTTAGAA]GGAATGTGCTTTAGAAGTTAAAAAGGTACCTTTGAAAACATTTAGTACTATAATATGAAT-3'

ClinVar aggregate classification (germline): Pathogenic (1 of 4 stars; one submission).

Conditions:
Hereditary cancer-predisposing syndrome. Also called: Hereditary neoplastic syndrome; Neoplastic Syndromes, Hereditary; Tumor predisposition; Hereditary Cancer Syndrome. Identifiers: Orphanet 140162, MedGen C0027672, MeSH D009386, MONDO:0015356.

Submission:

Ambry Genetics
Classification: Pathogenic for Hereditary cancer-predisposing syndrome. Last evaluated: 2025-07-22. Review status: criteria provided, single submitter. Criteria: Ambry Variant Classification Scheme 2023. Collection method: clinical testing. Allele origin: germline.
Comment: The c.1720_1735dup16 variant, located in coding exon 13 of the APC gene, results from a duplication of GAATGTGCTTTAGAAG at nucleotide positions 1720 to 1735, causing a translational frameshift with a predicted alternate stop codon (p.V579Gfs*7). This variant was reported in individual(s) with features consistent with APC-related familial adenomatous polyposis (Ambry internal data). This variant is considered to be rare based on population cohorts in the Genome Aggregation Database (gnomAD). This alteration is expected to result in loss of function by premature protein truncation or nonsense-mediated mRNA decay. As such, this alteration is interpreted as a disease-causing mutation.